The following is an entry in ClinVar:

NM_006206.6(PDGFRA):c.2880+5del

Gene: PDGFRA (platelet derived growth factor receptor alpha; plus strand). Cytogenetic location: 4q12.
Variant type: Deletion.
Coding change: c.2880+5del on transcript NM_006206.6 (MANE Select); 5 bases into the intron after coding-DNA position 2880, one base deleted (G; older notation c.2880+5delG).
Molecular consequence: intron variant.
Genome position (GRCh38, 1-based): chr4:54,289,119, G deleted. VCF-style (leftmost placement, unchanged base first): chr4-54289118-TG-T. GRCh37 (hg19) VCF-style: chr4-55155285-TG-T.
Other names: c.2955+5del (NM_001347828.2); c.2880+5del (NM_001347829.2); c.2919+5del (NM_001347830.2).
Identifiers: ClinVar variation 1957382 (VCV001957382.5), dbSNP rs1724505206, ClinGen allele CA1458539547.

ClinVar aggregate classification (germline): Uncertain significance (1 of 4 stars; one submission).

Conditions:
Gastrointestinal stromal tumor. Also called: Gastrointestinal stromal tumor, somatic; Gastrointestinal stroma tumor. Identifiers: Orphanet 44890, MedGen C0238198, MeSH D046152, MONDO:0011719, OMIM 606764, HP:0100723.

Allele frequency attached by ClinVar (database versions not stated): gnomAD exomes below 0.00001; TOPMed 0.00001.

Submission:

Labcorp Genetics (formerly Invitae), Labcorp
Classification: Uncertain significance for Gastrointestinal stromal tumor. Last evaluated: 2024-03-06. Review status: criteria provided, single submitter. Criteria: Invitae Variant Classification Sherloc (09022015). Collection method: clinical testing. Allele origin: germline.
Comment: This sequence change falls in intron 21 of the PDGFRA gene. It does not directly change the encoded amino acid sequence of the PDGFRA protein. It affects a nucleotide within the consensus splice site. This variant is not present in population databases (gnomAD no frequency). This variant has not been reported in the literature in individuals affected with PDGFRA-related conditions. ClinVar contains an entry for this variant (Variation ID: 1957382). Variants that disrupt the consensus splice site are a relatively common cause of aberrant splicing (PMID: 17576681, 9536098). Algorithms developed to predict the effect of sequence changes on RNA splicing suggest that this variant may disrupt the consensus splice site. In summary, the available evidence is currently insufficient to determine the role of this variant in disease. Therefore, it has been classified as a Variant of Uncertain Significance.

Literature cited by the submitters: PubMed 17576681; PubMed 9536098.